The following is an entry in ClinVar:

NM_172364.5(CACNA2D4):c.1795C>G (p.Gln599Glu)

Gene: CACNA2D4 (calcium voltage-gated channel auxiliary subunit alpha2delta 4; minus strand). Cytogenetic location: 12p13.33.
Variant type: single nucleotide variant.
Coding change: c.1795C>G on transcript NM_172364.5 (MANE Select); coding-DNA position 1795, C replaced by G.
Protein change: p.Gln599Glu; replaces glutamine 599 with glutamic acid.
Molecular consequence: missense variant.
Genome position (GRCh38, 1-based): chr12:1,875,262, G>C on the plus strand (C>G on the coding strand, the complement: CACNA2D4 is on the minus strand). VCF-style: chr12-1875262-G-C. GRCh37 (hg19) VCF-style: chr12-1984428-G-C.
Other names: c.1795C>G (NM_172364.4); short protein forms Q599E.
Identifiers: ClinVar variation 1984401 (VCV001984401.5), dbSNP rs374946377, ClinGen allele CA6386990.

ClinVar aggregate classification (germline): Uncertain significance. Review status: criteria provided, multiple submitters, no conflicts (2 of 4 stars). 2 submissions from 2 submitters: Uncertain significance (2). Last evaluated 2025-08-25.

Conditions:
Inborn genetic diseases. Identifiers: MedGen C0950123, MeSH D030342.

Allele frequency attached by ClinVar (database versions not stated): ExAC 0.00006; ESP Exome Variant Server 0.00008; TOPMed 0.00013; gnomAD exomes 0.00015; gnomAD 0.00022.
gnomAD v4.1: 238 of 1,584,432 alleles (0.015%); highest among the groups gnomAD compares: Non-Finnish European, 0.018%; no homozygotes.

Submissions (2):

Labcorp Genetics (formerly Invitae), Labcorp
Classification: Uncertain significance. Last evaluated: 2025-08-25. Review status: criteria provided, single submitter. Criteria: Invitae Variant Classification Sherloc (09022015). Collection method: clinical testing. Allele origin: germline.
Comment: This sequence change replaces glutamine, which is neutral and polar, with glutamic acid, which is acidic and polar, at codon 599 of the CACNA2D4 protein (p.Gln599Glu). This variant is present in population databases (rs374946377, gnomAD 0.06%). This variant has not been reported in the literature in individuals affected with CACNA2D4-related conditions. ClinVar contains an entry for this variant (Variation ID: 1984401). An algorithm developed to predict the effect of missense changes on protein structure and function (PolyPhen-2) suggests that this variant is likely to be tolerated. In summary, the available evidence is currently insufficient to determine the role of this variant in disease. Therefore, it has been classified as a Variant of Uncertain Significance.

Ambry Genetics
Classification: Uncertain significance for Inborn genetic diseases. Last evaluated: 2024-04-01. Review status: criteria provided, single submitter. Criteria: Ambry Variant Classification Scheme 2023. Collection method: clinical testing. Allele origin: germline.